The following is an entry in ClinVar:

NM_014975.3(MAST1):c.4354C>A (p.Pro1452Thr)

Gene: MAST1 (microtubule associated serine/threonine kinase 1; plus strand). Cytogenetic location: 19p13.13.
Variant type: single nucleotide variant.
Coding change: c.4354C>A on transcript NM_014975.3 (MANE Select); coding-DNA position 4354, C replaced by A.
Protein change: p.Pro1452Thr; replaces proline 1452 with threonine.
Molecular consequence: missense variant.
Genome position (GRCh38, 1-based): chr19:12,874,511, C>A. VCF-style: chr19-12874511-C-A. GRCh37 (hg19) VCF-style: chr19-12985325-C-A.
Other names: short protein forms P1452T.
Identifiers: ClinVar variation 4851827 (VCV004851827.1).

ClinVar aggregate classification (germline): Uncertain significance (1 of 4 stars; one submission).

Submission:

Dasa
Classification: Uncertain significance. Last evaluated: 2025-11-23. Review status: criteria provided, single submitter. Criteria: DASA Assertion Criteria. Collection method: clinical testing. Allele origin: germline.
Comment: NM_014975.3(MAST1):c.4354C>A (p.Pro1452Thr) is a missense variant that results in the substitution of proline with threonine. Multiple computational predictions suggest no deleterious effect on the gene or gene product. The variant is present at low frequency in population datasets. Based on the available data, this variant is classified as variant of uncertain significance.